The following is an entry in ClinVar:

NM_015909.4(NBAS):c.3586G>T (p.Ala1196Ser)

Gene: NBAS (NBAS subunit of NRZ tethering complex; minus strand). Cytogenetic location: 2p24.3.
Variant type: single nucleotide variant.
Coding change: c.3586G>T on transcript NM_015909.4 (MANE Select); coding-DNA position 3586, G replaced by T.
Protein change: p.Ala1196Ser; replaces alanine 1196 with serine.
Molecular consequence: missense variant. On other transcripts: non-coding transcript variant (1).
Genome position (GRCh38, 1-based): chr2:15,379,606, C>A on the plus strand (G>T on the coding strand, the complement: NBAS is on the minus strand). VCF-style: chr2-15379606-C-A. GRCh37 (hg19) VCF-style: chr2-15519730-C-A.
Other names: short protein forms A1196S.
Identifiers: ClinVar variation 2094841 (VCV002094841.1), dbSNP rs1339271484, ClinGen allele CA345896655.

ClinVar aggregate classification (germline): Uncertain significance (1 of 4 stars; one submission).

Allele frequency attached by ClinVar (database versions not stated): gnomAD exomes below 0.00001; gnomAD 0.00001; TOPMed 0.00002.
gnomAD v4.1: 4 of 1,613,614 alleles (0.00025%); highest among the groups gnomAD compares: African/African-American, 0.004%; no homozygotes.

Submission:

Labcorp Genetics (formerly Invitae), Labcorp
Classification: Uncertain significance. Last evaluated: 2022-04-28. Review status: criteria provided, single submitter. Criteria: Invitae Variant Classification Sherloc (09022015). Collection method: clinical testing. Allele origin: germline.
Comment: This sequence change replaces alanine, which is neutral and non-polar, with serine, which is neutral and polar, at codon 1196 of the NBAS protein (p.Ala1196Ser). This variant is not present in population databases (gnomAD no frequency). This variant has not been reported in the literature in individuals affected with NBAS-related conditions. Algorithms developed to predict the effect of missense changes on protein structure and function (SIFT, PolyPhen-2, Align-GVGD) all suggest that this variant is likely to be disruptive. In summary, the available evidence is currently insufficient to determine the role of this variant in disease. Therefore, it has been classified as a Variant of Uncertain Significance.